The following is an entry in ClinVar:

NM_017866.6(TMEM70):c.102_116dup (p.Ser40_Ser41insValSerArgAlaSer)

Gene: TMEM70 (transmembrane protein 70; plus strand). Cytogenetic location: 8q21.11.
Variant type: Duplication.
Coding change: c.102_116dup on transcript NM_017866.6 (MANE Select); coding-DNA positions 102 to 116, 15 bases duplicated (CTCTGTCTCCCGGGC).
Protein change: p.Ser40_Ser41insValSerArgAlaSer.
Molecular consequence: inframe insertion. On other transcripts: non-coding transcript variant (1).
Genome position (GRCh38, 1-based): chr8:73,976,383-73,976,397, CTCTGTCTCCCGGGC duplicated; duplicating any 15 consecutive bases within chr8:73,976,376-73,976,397 gives the same sequence; the c. name uses the placement nearest the transcript's 3' end. VCF-style (leftmost placement, unchanged base first): chr8-73976375-C-CCCCGGGCCTCTGTCT. GRCh37 (hg19) VCF-style: chr8-74888610-C-CCCCGGGCCTCTGTCT.
Other names: c.102_116dup, p.Ser40_Ser41insValSerArgAlaSer (NM_001040613.3).
Identifiers: ClinVar variation 2174984 (VCV002174984.1), dbSNP rs1168447827, ClinGen allele CA855186719.

ClinVar aggregate classification (germline): Uncertain significance (1 of 4 stars; one submission).

Conditions:
Mitochondrial complex V (ATP synthase) deficiency, nuclear type 2. Also called: Nuclear-Encoded ATPase Deficiency, TMEM70-Related; ENCEPHALOCARDIOMYOPATHY, MITOCHONDRIAL, NEONATAL, DUE TO ATP SYNTHASE DEFICIENCY; MITOCHONDRIAL COMPLEX V (ATP SYNTHASE) DEFICIENCY, TMEM70 TYPE. Identifiers: Orphanet 1194, MedGen C3279699, MONDO:0013546, OMIM 614052.

Submission:

Labcorp Genetics (formerly Invitae), Labcorp
Classification: Uncertain significance for Mitochondrial complex V (ATP synthase) deficiency, nuclear type 2. Last evaluated: 2022-03-22. Review status: criteria provided, single submitter. Criteria: Invitae Variant Classification Sherloc (09022015). Collection method: clinical testing. Allele origin: germline.
Comment: This variant, c.102_116dup, results in the insertion of 5 amino acid(s) of the TMEM70 protein (p.Val36_Ser40dup), but otherwise preserves the integrity of the reading frame. This variant is not present in population databases (gnomAD no frequency). This variant has not been reported in the literature in individuals affected with TMEM70-related conditions. Experimental studies and prediction algorithms are not available or were not evaluated, and the functional significance of this variant is currently unknown. In summary, the available evidence is currently insufficient to determine the role of this variant in disease. Therefore, it has been classified as a Variant of Uncertain Significance.